The following is an entry in ClinVar:

ClinVar aggregate classification (germline): Likely pathogenic. Review status: criteria provided, single submitter (1 of 4 stars). 3 submissions from 3 submitters: Likely pathogenic (1). 2 of the submissions do not count toward it. Last evaluated 2025-10-02.

Conditions:
Collagen IV-related nephropathies. Identifiers: MedGen CN076135.

Submissions (3):

Division of Genetic & Genomic Pathology, Hong Kong Children's Hospital
Classification: Likely pathogenic for Collagen IV-related nephropathies. Last evaluated: 2025-10-02. Review status: criteria provided, single submitter. Criteria: ACMG Guidelines, 2015. Collection method: clinical testing. Allele origin: germline. Affected: yes.
Comment: COL4A4 c.3289+1G>T p.? is located in the canonical splice donor site in intron 35 (out of 47 introns). SpliceAI predicted the variant would lead to skipping of exon 35 which is located within the triple helical domain consisting of Gly-X-Y repeats, and is not expected to lead to frameshift. The splicing variant is absent in the population databases (gnomAD v4.1.0, gnomAD v2.1.1). It is deposited in ClinVar as likely pathogenic (accession: VCV001209968.3). Other nucleotide changes at the same splice site have been reported as pathogenic and likely pathogenic in ClinVar (accessions: VCV002734406.3 and VCV001179188.3, respectively). For these reasons, COL4A4 c.3289+1G>T p.? is classified as likely pathogenic.

Genome Diagnostics Laboratory, Amsterdam University Medical Center
Classification: Pathogenic. Review status: no assertion criteria provided. Collection method: clinical testing. Allele origin: germline. Affected: yes. Study: VKGL Data-share Consensus. Not counted in ClinVar's aggregate classification.

Joint Genome Diagnostic Labs from Nijmegen and Maastricht, Radboudumc and MUMC+
Classification: Likely pathogenic. Review status: no assertion criteria provided. Collection method: clinical testing. Allele origin: germline. Affected: yes. Study: VKGL Data-share Consensus. Not counted in ClinVar's aggregate classification.

NM_000092.5(COL4A4):c.3289+1G>T

Gene: COL4A4 (collagen type IV alpha 4 chain; minus strand). Cytogenetic location: 2q36.3.
Variant type: single nucleotide variant.
Coding change: c.3289+1G>T on transcript NM_000092.5 (MANE Select); the canonical splice donor site of the intron after coding-DNA position 3289, G replaced by T.
Molecular consequence: splice donor variant.
Genome position (GRCh38, 1-based): chr2:227,047,474, C>A on the plus strand (G>T on the coding strand, the complement: COL4A4 is on the minus strand). VCF-style: chr2-227047474-C-A. GRCh37 (hg19) VCF-style: chr2-227912190-C-A.
Identifiers: ClinVar variation 1209968 (VCV001209968.4), dbSNP rs1973128133, ClinGen allele CA350838610.
Genomic context (GRCh38, chr2:227,047,474, plus strand): 5'-TGTTCTGCTTTTCAAACTAAACTACTTTTTTTGTTTTAGTAAGAAAAATATGCAGCTATA[C>A]CTGGACATCCAGGGCTACCTGGCTCACCCTTTGGACCAGGTGGACCAAAGTGACTGGCAG-3'